The following is an entry in ClinVar:

NM_007315.4(STAT1):c.877C>G (p.Pro293Ala)

Gene: STAT1 (signal transducer and activator of transcription 1; minus strand). Cytogenetic location: 2q32.2.
Variant type: single nucleotide variant.
Coding change: c.877C>G on transcript NM_007315.4 (MANE Select); coding-DNA position 877, C replaced by G.
Protein change: p.Pro293Ala; replaces proline 293 with alanine.
Molecular consequence: missense variant. On other transcripts: intron variant (1).
Genome position (GRCh38, 1-based): chr2:190,995,128, G>C on the plus strand (C>G on the coding strand, the complement: STAT1 is on the minus strand). VCF-style: chr2-190995128-G-C. GRCh37 (hg19) VCF-style: chr2-191859854-G-C.
Other names: c.877C>G, p.Pro293Ala (NM_001384880.1, NM_001384882.1, NM_001384886.1 and 4 more transcripts); c.883C>G, p.Pro295Ala (NM_001384881.1, NM_001384884.1); c.778C>G, p.Pro260Ala (NM_001384883.1); c.787C>G, p.Pro263Ala (NM_001384890.1); c.913C>G, p.Pro305Ala (NM_001384891.1); c.785+2728C>G (NM_001384885.1); short protein forms P260A, P295A, P305A, P263A, P293A.
Identifiers: ClinVar variation 1504837 (VCV001504837.8), dbSNP rs2125062189, ClinGen allele CA349921676.

ClinVar aggregate classification (germline): Uncertain significance (1 of 4 stars; one submission).

Conditions:
Autoimmune enteropathy and endocrinopathy - susceptibility to chronic infections syndrome. Also called: Immunodeficiency 31C; Immunodeficiency 31C, autosomal dominant. Identifiers: Orphanet 391487, MedGen C3279990, MONDO:0013599, OMIM 614162.
Mendelian susceptibility to mycobacterial diseases due to partial STAT1 deficiency. Also called: Immunodeficiency 31a; IMMUNODEFICIENCY 31A, MYCOBACTERIOSIS, AUTOSOMAL DOMINANT; STAT1 DEFICIENCY, AUTOSOMAL DOMINANT. Identifiers: Orphanet 319595, MedGen C4013950, MONDO:0013956, OMIM 614892.
Immunodeficiency 31B. Also called: STAT1 DEFICIENCY, AUTOSOMAL RECESSIVE; IMMUNODEFICIENCY 31B, MYCOBACTERIAL AND VIRAL INFECTIONS, AUTOSOMAL RECESSIVE. Identifiers: Orphanet 391311, MedGen C3151088, MONDO:0013427, OMIM 613796.

Submission:

Labcorp Genetics (formerly Invitae), Labcorp
Classification: Uncertain significance for Mendelian susceptibility to mycobacterial diseases due to partial STAT1 deficiency; Immunodeficiency 31B; Autoimmune enteropathy and endocrinopathy - susceptibility to chronic infections syndrome. Last evaluated: 2022-03-19. Review status: criteria provided, single submitter. Criteria: Invitae Variant Classification Sherloc (09022015). Collection method: clinical testing. Allele origin: germline.
Comment: In summary, the available evidence is currently insufficient to determine the role of this variant in disease. Therefore, it has been classified as a Variant of Uncertain Significance. This sequence change replaces proline, which is neutral and non-polar, with alanine, which is neutral and non-polar, at codon 293 of the STAT1 protein (p.Pro293Ala). This variant is not present in population databases (gnomAD no frequency). This variant has not been reported in the literature in individuals affected with STAT1-related conditions. Algorithms developed to predict the effect of missense changes on protein structure and function are either unavailable or do not agree on the potential impact of this missense change (SIFT: "Tolerated"; PolyPhen-2: "Possibly Damaging"; Align-GVGD: "Class C0").